The following is an entry in ClinVar:

NM_020457.3(THAP11):c.415A>G (p.Thr139Ala)

Genes: CENPT (centromere protein T; minus strand), THAP11 (THAP domain containing 11; plus strand). Cytogenetic location: 16q22.1.
Variant type: single nucleotide variant.
Coding change: c.415A>G on transcript NM_020457.3 (MANE Select); coding-DNA position 415, A replaced by G.
Protein change: p.Thr139Ala; replaces threonine 139 with alanine.
Molecular consequence: missense variant. On other transcripts: intron variant (1).
Genome position (GRCh38, 1-based): chr16:67,842,969, A>G. VCF-style: chr16-67842969-A-G. GRCh37 (hg19) VCF-style: chr16-67876872-A-G.
Other names: c.-492+4432T>C (NM_025082.4); short protein forms T139A.
Identifiers: ClinVar variation 1989222 (VCV001989222.5), dbSNP rs149782764, ClinGen allele CA8118272.
Genomic context (GRCh38, chr16:67,842,969, plus strand): 5'-CAGCAGCAGCAACAGCAGCAGCAGCAGCAGCAGCAGCAGCAGTCCTCACCCTCTGCCTCC[A>G]CTGCCCAGACTGCCCAGCTGCAGCCGAACCTGGTATCTGCTTCCGCGGCCGTGCTTCTCA-3'
Protein context (NP_065190.2, residues 129-149): QQQQSSPSAS[Thr139Ala]AQTAQLQPNL

ClinVar aggregate classification (germline): Uncertain significance. Review status: criteria provided, multiple submitters, no conflicts (2 of 4 stars). 2 submissions from 2 submitters: Uncertain significance (2). Last evaluated 2025-11-08.

Allele frequency attached by ClinVar (database versions not stated): gnomAD exomes 0.00001; ExAC 0.00003; gnomAD 0.00004; TOPMed 0.00014; ESP Exome Variant Server 0.00015.
gnomAD v4.1: 17 of 1,607,714 alleles (0.0011%); highest among the groups gnomAD compares: African/African-American, 0.021%; no homozygotes.

Submissions (2):

Labcorp Genetics (formerly Invitae), Labcorp
Classification: Uncertain significance. Last evaluated: 2025-11-08. Review status: criteria provided, single submitter. Criteria: Invitae Variant Classification Sherloc (09022015). Collection method: clinical testing. Allele origin: germline.
Comment: This sequence change replaces threonine, which is neutral and polar, with alanine, which is neutral and non-polar, at codon 139 of the THAP11 protein (p.Thr139Ala). This variant is present in population databases (rs149782764, gnomAD 0.03%). This variant has not been reported in the literature in individuals affected with THAP11-related conditions. ClinVar contains an entry for this variant (Variation ID: 1989222). Invitae Evidence Modeling of protein sequence and biophysical properties (such as structural, functional, and spatial information, amino acid conservation, physicochemical variation, residue mobility, and thermodynamic stability) indicates that this missense variant is not expected to disrupt THAP11 protein function with a negative predictive value of 80%. In summary, the available evidence is currently insufficient to determine the role of this variant in disease. Therefore, it has been classified as a Variant of Uncertain Significance.

Ambry Genetics
Classification: Uncertain significance. Last evaluated: 2024-01-17. Review status: criteria provided, single submitter. Criteria: Ambry Variant Classification Scheme 2023. Collection method: clinical testing. Allele origin: germline.